The following is an entry in ClinVar:

NM_020937.4(FANCM):c.1273A>G (p.Ser425Gly)

Gene: FANCM (FA complementation group M; plus strand). Cytogenetic location: 14q21.2.
Variant type: single nucleotide variant.
Coding change: c.1273A>G on transcript NM_020937.4 (MANE Select); coding-DNA position 1273, A replaced by G.
Protein change: p.Ser425Gly; replaces serine 425 with glycine.
Molecular consequence: missense variant.
Genome position (GRCh38, 1-based): chr14:45,154,786, A>G. VCF-style: chr14-45154786-A-G. GRCh37 (hg19) VCF-style: chr14-45623989-A-G.
Other names: c.1195A>G, p.Ser399Gly (NM_001308133.2); c.1273A>G, p.Ser425Gly (NM_001308134.2); short protein forms S399G, S425G.
Identifiers: ClinVar variation 2501568 (VCV002501568.1), dbSNP rs2503106846, ClinGen allele CA389591314.

ClinVar aggregate classification (germline): Uncertain significance (1 of 4 stars; one submission).

Submission:

GeneDx
Classification: Uncertain significance. Last evaluated: 2022-11-07. Review status: criteria provided, single submitter. Criteria: GeneDx Variant Classification Process June 2021. Collection method: clinical testing. Allele origin: germline. Affected: yes.
Comment: Not observed at significant frequency in large population cohorts (gnomAD); In silico analysis supports that this missense variant does not alter protein structure/function; Has not been previously published as pathogenic or benign to our knowledge